The following is an entry in ClinVar:

NM_000553.6(WRN):c.4191+1G>A

Gene: WRN (WRN RecQ like helicase; plus strand). Cytogenetic location: 8p12.
Variant type: single nucleotide variant.
Coding change: c.4191+1G>A on transcript NM_000553.6 (MANE Select); the canonical splice donor site of the intron after coding-DNA position 4191, G replaced by A.
Molecular consequence: splice donor variant.
Genome position (GRCh38, 1-based): chr8:31,167,231, G>A. VCF-style: chr8-31167231-G-A. GRCh37 (hg19) VCF-style: chr8-31024747-G-A.
Identifiers: ClinVar variation 834886 (VCV000834886.8), dbSNP rs1279354218, ClinGen allele CA370910164.

ClinVar aggregate classification (germline): Conflicting classifications of pathogenicity. Review status: criteria provided, conflicting classifications (1 of 4 stars). 2 submissions from 2 submitters: Likely pathogenic (1); Uncertain significance (1). Last evaluated 2024-03-26.

Conditions:
Werner syndrome (WRN). Identifiers: Orphanet 902, MedGen C0043119, MONDO:0010196, OMIM 277700.

Allele frequency attached by ClinVar (database versions not stated): gnomAD exomes below 0.00001; gnomAD 0.00001; TOPMed 0.00001.
gnomAD v4.1: 2 of 1,609,466 alleles (0.00012%); highest among the groups gnomAD compares: Non-Finnish European, 0.00017%; no homozygotes.

Submissions (2):

Fulgent Genetics
Classification: Likely pathogenic for Werner syndrome. Last evaluated: 2024-03-26. Review status: criteria provided, single submitter. Criteria: ACMG Guidelines, 2015. Collection method: clinical testing. Allele origin: germline.

Labcorp Genetics (formerly Invitae), Labcorp
Classification: Uncertain significance for Werner syndrome. Last evaluated: 2021-11-17. Review status: criteria provided, single submitter. Criteria: Invitae Variant Classification Sherloc (09022015). Collection method: clinical testing. Allele origin: germline.
Comment: In summary, the available evidence is currently insufficient to determine the role of this variant in disease. Therefore, it has been classified as a Variant of Uncertain Significance. Variants that disrupt the consensus splice site are a relatively common cause of aberrant splicing (PMID: 17576681, 9536098). Algorithms developed to predict the effect of sequence changes on RNA splicing suggest that this variant may disrupt the consensus splice site. ClinVar contains an entry for this variant (Variation ID: 834886). This variant has not been reported in the literature in individuals affected with WRN-related conditions. This variant is present in population databases (no rsID available, gnomAD 0.01%). This sequence change affects a donor splice site in intron 34 of the WRN gene. While this variant is not anticipated to result in nonsense mediated decay, it likely alters RNA splicing and results in a disrupted protein product.

Literature cited by the submitters: PubMed 17576681 (cited by Labcorp Genetics (formerly Invitae), Labcorp); PubMed 9536098 (cited by Labcorp Genetics (formerly Invitae), Labcorp).